The following is an entry in ClinVar:

NM_001184900.3(CARD8):c.1262A>G (p.Lys421Arg)

Gene: CARD8 (caspase recruitment domain family member 8; minus strand). Cytogenetic location: 19q13.33.
Variant type: single nucleotide variant.
Coding change: c.1262A>G on transcript NM_001184900.3 (MANE Select); coding-DNA position 1262, A replaced by G.
Protein change: p.Lys421Arg; replaces lysine 421 with arginine.
Molecular consequence: missense variant. On other transcripts: non-coding transcript variant (2), intron variant (7).
Genome position (GRCh38, 1-based): chr19:48,218,912, T>C on the plus strand (A>G on the coding strand, the complement: CARD8 is on the minus strand). VCF-style: chr19-48218912-T-C. GRCh37 (hg19) VCF-style: chr19-48722169-T-C.
Other names: c.1112A>G, p.Lys371Arg (NM_001184901.1, NM_001351783.2, NM_014959.5); c.1262A>G, p.Lys421Arg (NM_001351782.2); c.947A>G, p.Lys316Arg (NM_001351784.2, NM_001351787.2); c.926A>G, p.Lys309Arg (NM_001351786.2); c.944A>G, p.Lys315Arg (NM_001365950.1); c.437A>G, p.Lys146Arg (NM_001426741.1); c.846+2818A>G (NM_001351791.2, NM_001351792.2); c.1011+2818A>G (NM_001351788.2, NM_001351789.2); and 2 more; short protein forms K309R, K371R, K421R, K315R, K146R, K316R.
Identifiers: ClinVar variation 2881654 (VCV002881654.3), dbSNP rs1165246229, ClinGen allele CA406664654.
Genomic context (GRCh38, chr19:48,218,912, plus strand): 5'-GCCTCGCCCACTCACCTACCTGGCTTCACCTCAGTATCCCACACCAAAGTCCCATGTCTT[T>C]TTTCAGTAATCTCAAGTTGAATGGGTTCCTTCATCTGCCCAGCATAGAATTTTGAGAAGT-3'
Protein context (NP_001171829.1, residues 411-431): KEPIQLEITE[Lys421Arg]RHGTLVWDTE

ClinVar aggregate classification (germline): Uncertain significance (1 of 4 stars; one submission).

Allele frequency attached by ClinVar (database versions not stated): TOPMed below 0.00001.

Submission:

Labcorp Genetics (formerly Invitae), Labcorp
Classification: Uncertain significance. Last evaluated: 2023-04-29. Review status: criteria provided, single submitter. Criteria: Invitae Variant Classification Sherloc (09022015). Collection method: clinical testing. Allele origin: germline.
Comment: This sequence change replaces lysine, which is basic and polar, with arginine, which is basic and polar, at codon 371 of the CARD8 protein (p.Lys371Arg). This variant is not present in population databases (gnomAD no frequency). This variant has not been reported in the literature in individuals affected with CARD8-related conditions. An algorithm developed to predict the effect of missense changes on protein structure and function (PolyPhen-2) suggests that this variant is likely to be tolerated. In summary, the available evidence is currently insufficient to determine the role of this variant in disease. Therefore, it has been classified as a Variant of Uncertain Significance.